The following is an entry in ClinVar:

ClinVar aggregate classification (germline): Likely benign (1 of 4 stars; one submission).

gnomAD v4.1: 1 of 1,614,172 alleles (0.000062%); highest among the groups gnomAD compares: Non-Finnish European, 0.000085%; no homozygotes.

Submission:

CeGaT Center for Human Genetics Tuebingen
Classification: Likely benign. Last evaluated: 2022-09-01. Review status: criteria provided, single submitter. Criteria: CeGaT Center For Human Genetics Tuebingen Variant Classification Criteria Version 2. Collection method: clinical testing. Allele origin: germline. Affected: yes. Observed: 1 variant allele.
Comment: MRPS5: PM2:Supporting, BP4, BP7

NM_031902.5(MRPS5):c.1119C>A (p.Ile373=)

Gene: MRPS5 (mitochondrial ribosomal protein S5; minus strand). Cytogenetic location: 2q11.1.
Variant type: single nucleotide variant.
Coding change: c.1119C>A on transcript NM_031902.5 (MANE Select); coding-DNA position 1119, C replaced by A.
Protein change: p.Ile373=; no amino-acid change (isoleucine 373 retained).
Molecular consequence: synonymous variant. On other transcripts: non-coding transcript variant (2).
Genome position (GRCh38, 1-based): chr2:95,087,531, G>T on the plus strand (C>A on the coding strand, the complement: MRPS5 is on the minus strand). VCF-style: chr2-95087531-G-T. GRCh37 (hg19) VCF-style: chr2-95753276-G-T.
Other names: c.882C>A, p.Ile294= (NM_001321995.2); c.621C>A, p.Ile207= (NM_001321996.2, NM_001321997.2).
Identifiers: ClinVar variation 2651117 (VCV002651117.24), dbSNP rs1374325729, ClinGen allele CA427456728.